The following is an entry in ClinVar:

ClinVar aggregate classification (germline): Uncertain significance (1 of 4 stars; one submission).

Submission:

GeneDx
Classification: Uncertain significance. Last evaluated: 2024-08-07. Review status: criteria provided, single submitter. Criteria: GeneDx Variant Classification Process June 2021. Collection method: clinical testing. Allele origin: germline. Affected: yes.
Comment: Not observed at significant frequency in large population cohorts (gnomAD); In silico analysis indicates that this missense variant does not alter protein structure/function; Has not been previously published as pathogenic or benign to our knowledge

NM_001375524.1(TRRAP):c.4346C>G (p.Thr1449Ser)

Gene: TRRAP (transformation/transcription domain associated protein; plus strand). Cytogenetic location: 7q22.1.
Variant type: single nucleotide variant.
Coding change: c.4346C>G on transcript NM_001375524.1 (MANE Select); coding-DNA position 4346, C replaced by G.
Protein change: p.Thr1449Ser; replaces threonine 1449 with serine.
Molecular consequence: missense variant.
Genome position (GRCh38, 1-based): chr7:98,937,762, C>G. VCF-style: chr7-98937762-C-G. GRCh37 (hg19) VCF-style: chr7-98535385-C-G.
Other names: c.4346C>G, p.Thr1449Ser (NM_001244580.2, NM_003496.4); short protein forms T1449S.
Identifiers: ClinVar variation 3603099 (VCV003603099.1).